The following is an entry in ClinVar:

ClinVar aggregate classification (germline): Uncertain significance (1 of 4 stars; one submission).

Conditions:
SALL4-Related Disorders. Also called: SALL4-related condition; SALL4-related disorder. Identifiers: MedGen CN381056.

Allele frequency attached by ClinVar (database versions not stated): TOPMed below 0.00001; gnomAD 0.00001.
gnomAD v4.1: 16 of 1,614,032 alleles (0.00099%); highest among the groups gnomAD compares: Non-Finnish European, 0.0014%; no homozygotes.

Submission:

PreventionGenetics, part of Exact Sciences
Classification: Uncertain significance for SALL4-related condition. Last evaluated: 2023-03-20. Review status: criteria provided, single submitter. Criteria: ACMG Guidelines, 2015. Collection method: clinical testing. Allele origin: germline.
Comment: The SALL4 c.454G>A variant is predicted to result in the amino acid substitution p.Val152Met. To our knowledge, this variant has not been reported in the literature. This variant is reported in 0.0065% of alleles in individuals of European (Non-Finnish) descent in gnomAD. At this time, the clinical significance of this variant is uncertain due to the absence of conclusive functional and genetic evidence.

NM_020436.5(SALL4):c.454G>A (p.Val152Met)

Gene: SALL4 (spalt like transcription factor 4; minus strand). Cytogenetic location: 20q13.2.
Variant type: single nucleotide variant.
Coding change: c.454G>A on transcript NM_020436.5 (MANE Select); coding-DNA position 454, G replaced by A.
Protein change: p.Val152Met; replaces valine 152 with methionine.
Molecular consequence: missense variant.
Genome position (GRCh38, 1-based): chr20:51,792,029, C>T on the plus strand (G>A on the coding strand, the complement: SALL4 is on the minus strand). VCF-style: chr20-51792029-C-T. GRCh37 (hg19) VCF-style: chr20-50408568-C-T.
Other names: c.454G>A, p.Val152Met (NM_001318031.2); short protein forms V152M.
Identifiers: ClinVar variation 2628946 (VCV002628946.1), dbSNP rs752283056, ClinGen allele CA409017361.